The following is an entry in ClinVar:

ClinVar aggregate classification (germline): Pathogenic (1 of 4 stars; one submission).

Submission:

Labcorp Genetics (formerly Invitae), Labcorp
Classification: Pathogenic. Last evaluated: 2023-06-30. Review status: criteria provided, single submitter. Criteria: Invitae Variant Classification Sherloc (09022015). Collection method: clinical testing. Allele origin: germline.
Comment: This sequence change creates a premature translational stop signal (p.Gln260Hisfs*6) in the TPO gene. It is expected to result in an absent or disrupted protein product. Loss-of-function variants in TPO are known to be pathogenic (PMID: 11061528, 23236987, 25564141). This variant is not present in population databases (gnomAD no frequency). For these reasons, this variant has been classified as Pathogenic. This variant has not been reported in the literature in individuals affected with TPO-related conditions.

Literature cited by the submitters: PubMed 11061528; PubMed 23236987; PubMed 25564141.

NM_001206744.2(TPO):c.779_780insTCTA (p.Gln260fs)

Gene: TPO (thyroid peroxidase; plus strand). Cytogenetic location: 2p25.3.
Variant type: Insertion.
Coding change: c.779_780insTCTA on transcript NM_001206744.2 (MANE Select); coding-DNA positions 779 to 780, TCTA inserted.
Protein change: p.Gln260fs; shifts the reading frame from glutamine 260.
Molecular consequence: frameshift variant.
Genome position: GRCh38 VCF-style: chr2-1456241-C-CATCT. GRCh37 (hg19) VCF-style: chr2-1460013-C-CATCT.
Other names: c.779_780insTCTA, p.Gln260fs (NM_000547.6, NM_001206745.2, NM_175719.4 and 2 more transcripts); short protein forms Q260fs.
Identifiers: ClinVar variation 2978824 (VCV002978824.3), dbSNP rs2545989114, ClinGen allele CA2740092681.